The following is an entry in ClinVar:

ClinVar aggregate classification (germline): Pathogenic (1 of 4 stars; one submission).

Conditions:
Neurofibromatosis, type 1 (NF1). Also called: NEUROFIBROMATOSIS, TYPE I, SOMATIC; VON RECKLINGHAUSEN DISEASE; Peripheral type neurofibromatosis; Neurofibromatosis, type I. Identifiers: Orphanet 636, MedGen C0027831, MONDO:0018975, OMIM 162200. Disease mechanism: loss of function.

Submission:

Labcorp Genetics (formerly Invitae), Labcorp
Classification: Pathogenic for Neurofibromatosis, type 1. Last evaluated: 2025-05-18. Review status: criteria provided, single submitter. Criteria: Invitae Variant Classification Sherloc (09022015). Collection method: clinical testing. Allele origin: germline.
Comment: This sequence change creates a premature translational stop signal (p.Leu2181Trpfs*16) in the NF1 gene. It is expected to result in an absent or disrupted protein product. Loss-of-function variants in NF1 are known to be pathogenic (PMID: 10712197, 23913538). This variant is not present in population databases (gnomAD no frequency). This premature translational stop signal has been observed in individual(s) with neurofibromatosis, type 1 (PMID: 30014477). For these reasons, this variant has been classified as Pathogenic.

Literature cited by the submitters: PubMed 10712197; PubMed 23913538; PubMed 30014477.

NM_001042492.3(NF1):c.6605del (p.Leu2202fs)

Gene: NF1 (neurofibromin 1; plus strand). Cytogenetic location: 17q11.2.
Variant type: Deletion.
Coding change: c.6605del on transcript NM_001042492.3 (MANE Select); coding-DNA position 6605, one base deleted (T; older notation c.6605delT).
Protein change: p.Leu2202fs; shifts the reading frame from leucine 2202.
Molecular consequence: frameshift variant.
Genome position (GRCh38, 1-based): chr17:31,337,545, T deleted; the last of 2 consecutive T bases (chr17:31,337,544-31,337,545); deleting either gives the same sequence. VCF-style (leftmost placement, unchanged base first): chr17-31337543-CT-C. GRCh37 (hg19) VCF-style: chr17-29664561-CT-C.
Other names: c.6542del, p.Leu2181fs (NM_000267.4); short protein forms L2181fs, L2202fs.
Identifiers: ClinVar variation 4719711 (VCV004719711.1).
Genomic context (GRCh38, chr17:31,337,543, plus strand): 5'-TTACCGGGACAGGTCATTCTCTCCTGGCTCCTATGAGAGAGAGACTTTTGCTTTGACATC[CT>C]TGGAAACAGTCACAGAAGCTTTGTTGGAGATCATGGAGGTATAGAAGCCAAAATGATAAG-3'